The following is an entry in ClinVar:

NM_004484.4(GPC3):c.1156A>G (p.Ser386Gly)

Gene: GPC3 (glypican 3; minus strand). Cytogenetic location: Xq26.2.
Variant type: single nucleotide variant.
Coding change: c.1156A>G on transcript NM_004484.4 (MANE Select); coding-DNA position 1156, A replaced by G.
Protein change: p.Ser386Gly; replaces serine 386 with glycine.
Molecular consequence: missense variant.
Genome position (GRCh38, 1-based): chrX:133,699,905, T>C on the plus strand (A>G on the coding strand, the complement: GPC3 is on the minus strand). VCF-style: chrX-133699905-T-C. GRCh37 (hg19) VCF-style: chrX-132833933-T-C.
Other names: c.1225A>G, p.Ser409Gly (NM_001164617.2); c.1108A>G, p.Ser370Gly (NM_001164618.2); c.994A>G, p.Ser332Gly (NM_001164619.2); short protein forms S409G, S370G, S332G, S386G.
Identifiers: ClinVar variation 2718223 (VCV002718223.3), dbSNP rs2071151339, ClinGen allele CA414699409.

ClinVar aggregate classification (germline): Uncertain significance (1 of 4 stars; one submission).

Conditions:
Wilms tumor 1 (WT1). Also called: Wilms tumor, somatic. Identifiers: Orphanet 654, MedGen CN033288, MONDO:0008679, OMIM 194070.

Submission:

Labcorp Genetics (formerly Invitae), Labcorp
Classification: Uncertain significance for Wilms tumor 1. Last evaluated: 2024-06-13. Review status: criteria provided, single submitter. Criteria: Invitae Variant Classification Sherloc (09022015). Collection method: clinical testing. Allele origin: germline.
Comment: This sequence change replaces serine, which is neutral and polar, with glycine, which is neutral and non-polar, at codon 386 of the GPC3 protein (p.Ser386Gly). This variant is not present in population databases (gnomAD no frequency). This variant has not been reported in the literature in individuals affected with GPC3-related conditions. Advanced modeling of protein sequence and biophysical properties (such as structural, functional, and spatial information, amino acid conservation, physicochemical variation, residue mobility, and thermodynamic stability) performed at Invitae indicates that this missense variant is not expected to disrupt GPC3 protein function with a negative predictive value of 80%. In summary, the available evidence is currently insufficient to determine the role of this variant in disease. Therefore, it has been classified as a Variant of Uncertain Significance.